The following is an entry in ClinVar:

ClinVar aggregate classification (germline): Pathogenic (1 of 4 stars; one submission).

Conditions:
Neurofibromatosis, type 1 (NF1). Also called: VON RECKLINGHAUSEN DISEASE; Neurofibromatosis, type I; Peripheral type neurofibromatosis; NEUROFIBROMATOSIS, TYPE I, SOMATIC. Identifiers: Orphanet 636, MedGen C0027831, MONDO:0018975, OMIM 162200. Disease mechanism: loss of function.

Submission:

Labcorp Genetics (formerly Invitae), Labcorp
Classification: Pathogenic for Neurofibromatosis, type 1. Last evaluated: 2023-08-16. Review status: criteria provided, single submitter. Criteria: Invitae Variant Classification Sherloc (09022015). Collection method: clinical testing. Allele origin: unknown.
Comment: For these reasons, this variant has been classified as Pathogenic. This variant has not been reported in the literature in individuals affected with NF1-related conditions. This variant is a gross deletion of the genomic region encompassing exon(s) 1-35 of the NF1 gene, which includes the initiator codon. This deletion extends beyond the assayed region for this gene and therefore may encompass additional genes. It is expected to result in an absent or disrupted protein product. Loss-of-function variants in NF1 are known to be pathogenic (PMID: 10712197, 23913538).

Literature cited by the submitters: PubMed 10712197; PubMed 23913538.

NC_000017.10:g.(?_28524804)_(29624377_?)del

Genes: ADAP2 (ArfGAP with dual PH domains 2; plus strand), ATAD5 (ATPase family AAA domain containing 5; plus strand), BLMH (bleomycin hydrolase; minus strand), CPD (carboxypeptidase D; plus strand), CRLF3 (cytokine receptor like factor 3; minus strand) and 8 more. Cytogenetic location: 17q11.2.
Variant type: Deletion.
Identifiers: ClinVar variation 3242851 (VCV003242851.1).